The following is an entry in ClinVar:

ClinVar aggregate classification (germline): Uncertain significance (1 of 4 stars; one submission).

Submission:

GeneDx
Classification: Uncertain significance. Last evaluated: 2022-02-08. Review status: criteria provided, single submitter. Criteria: GeneDx Variant Classification Process June 2021. Collection method: clinical testing. Allele origin: germline. Affected: yes.
Comment: Not observed at significant frequency in large population cohorts (gnomAD); In silico analysis supports that this missense variant does not alter protein structure/function; Has not been previously published as pathogenic or benign to our knowledge

NM_173551.5(ANKS6):c.564G>C (p.Glu188Asp)

Gene: ANKS6 (ankyrin repeat and sterile alpha motif domain containing 6; minus strand). Cytogenetic location: 9q22.33.
Variant type: single nucleotide variant.
Coding change: c.564G>C on transcript NM_173551.5 (MANE Select); coding-DNA position 564, G replaced by C.
Protein change: p.Glu188Asp; replaces glutamic acid 188 with aspartic acid.
Molecular consequence: missense variant.
Genome position (GRCh38, 1-based): chr9:98,790,402, C>G on the plus strand (G>C on the coding strand, the complement: ANKS6 is on the minus strand). VCF-style: chr9-98790402-C-G. GRCh37 (hg19) VCF-style: chr9-101552684-C-G.
Other names: short protein forms E188D.
Identifiers: ClinVar variation 1700504 (VCV001700504.2), dbSNP rs1447195637, ClinGen allele CA374218892.